The following is an entry in ClinVar:

NM_000088.4(COL1A1):c.2180A>G (p.Gln727Arg)

Gene: COL1A1 (collagen type I alpha 1 chain; minus strand). Cytogenetic location: 17q21.33.
Variant type: single nucleotide variant.
Coding change: c.2180A>G on transcript NM_000088.4 (MANE Select); coding-DNA position 2180, A replaced by G.
Protein change: p.Gln727Arg; replaces glutamine 727 with arginine.
Molecular consequence: missense variant.
Genome position (GRCh38, 1-based): chr17:50,191,438, T>C on the plus strand (A>G on the coding strand, the complement: COL1A1 is on the minus strand). VCF-style: chr17-50191438-T-C. GRCh37 (hg19) VCF-style: chr17-48268799-T-C.
Other names: short protein forms Q727R.
Identifiers: ClinVar variation 2183091 (VCV002183091.4), dbSNP rs749032265, ClinGen allele CA8644909.

ClinVar aggregate classification (germline): Uncertain significance (1 of 4 stars; one submission).

Conditions:
Osteogenesis imperfecta type I (OI1). Also called: OI, TYPE I; OSTEOGENESIS IMPERFECTA TARDA; OSTEOGENESIS IMPERFECTA WITH BLUE SCLERAE; Osteogenesis imperfecta type 1; Lobstein's Disease; Lobstein disease. Identifiers: Orphanet 216796, Orphanet 666, MedGen C0023931, MONDO:0008146, OMIM 166200. Disease mechanism: loss of function.

Allele frequency attached by ClinVar (database versions not stated): gnomAD exomes 0.00001; ExAC 0.00002.
gnomAD v4.1: 4 of 1,613,884 alleles (0.00025%); highest among the groups gnomAD compares: Non-Finnish European, 0.00034%; no homozygotes.

Submission:

Labcorp Genetics (formerly Invitae), Labcorp
Classification: Uncertain significance for Osteogenesis imperfecta type I. Last evaluated: 2022-03-15. Review status: criteria provided, single submitter. Criteria: Invitae Variant Classification Sherloc (09022015). Collection method: clinical testing. Allele origin: germline.
Comment: In summary, the available evidence is currently insufficient to determine the role of this variant in disease. Therefore, it has been classified as a Variant of Uncertain Significance. Algorithms developed to predict the effect of missense changes on protein structure and function (SIFT, PolyPhen-2, Align-GVGD) all suggest that this variant is likely to be disruptive. This variant has not been reported in the literature in individuals affected with COL1A1-related conditions. This variant is present in population databases (rs749032265, gnomAD 0.003%). This sequence change replaces glutamine, which is neutral and polar, with arginine, which is basic and polar, at codon 727 of the COL1A1 protein (p.Gln727Arg).